The following is an entry in ClinVar:

ClinVar aggregate classification (germline): Uncertain significance. Review status: criteria provided, multiple submitters, no conflicts (2 of 4 stars). 2 submissions from 2 submitters: Uncertain significance (2). Last evaluated 2024-08-31.

Conditions:
Emery-Dreifuss muscular dystrophy 5, autosomal dominant (EDMD5). Also called: EMERY-DREIFUSS MUSCULAR DYSTROPHY 5. Identifiers: Orphanet 261, MedGen C2751805, MONDO:0013072, OMIM 612999.

Allele frequency attached by ClinVar (database versions not stated): gnomAD below 0.00001 and 0.00001; TOPMed 0.00001; gnomAD exomes 0.00002 and 0.00004; ExAC 0.00003.
gnomAD v4.1: 34 of 1,614,012 alleles (0.0021%); highest among the groups gnomAD compares: South Asian, 0.036%; 1 homozygote.

Submissions (2):

Labcorp Genetics (formerly Invitae), Labcorp
Classification: Uncertain significance for Emery-Dreifuss muscular dystrophy 5, autosomal dominant. Last evaluated: 2024-08-31. Review status: criteria provided, single submitter. Criteria: Invitae Variant Classification Sherloc (09022015). Collection method: clinical testing. Allele origin: germline.
Comment: This sequence change replaces valine, which is neutral and non-polar, with methionine, which is neutral and non-polar, at codon 3952 of the SYNE2 protein (p.Val3952Met). This variant is present in population databases (rs758155150, gnomAD 0.03%). This variant has not been reported in the literature in individuals affected with SYNE2-related conditions. ClinVar contains an entry for this variant (Variation ID: 448625). An algorithm developed to predict the effect of missense changes on protein structure and function (PolyPhen-2) suggests that this variant is likely to be tolerated. In summary, the available evidence is currently insufficient to determine the role of this variant in disease. Therefore, it has been classified as a Variant of Uncertain Significance.

Athena Diagnostics
Classification: Uncertain significance. Last evaluated: 2017-04-14. Review status: criteria provided, single submitter. Criteria: Athena Diagnostics Criteria. Collection method: clinical testing. Allele origin: germline.

NM_182914.3(SYNE2):c.11854G>A (p.Val3952Met)

Gene: SYNE2 (spectrin repeat containing nuclear envelope protein 2; plus strand). Cytogenetic location: 14q23.2.
Variant type: single nucleotide variant.
Coding change: c.11854G>A on transcript NM_182914.3 (MANE Select); coding-DNA position 11854, G replaced by A.
Protein change: p.Val3952Met; replaces valine 3952 with methionine.
Molecular consequence: missense variant.
Genome position (GRCh38, 1-based): chr14:64,090,926, G>A. VCF-style: chr14-64090926-G-A. GRCh37 (hg19) VCF-style: chr14-64557644-G-A.
Other names: c.11854G>A, p.Val3952Met (NM_015180.6); short protein forms V3952M.
Identifiers: ClinVar variation 448625 (VCV000448625.11), dbSNP rs758155150, ClinGen allele CA7221935.